The following is an entry in ClinVar:

NM_001999.4(FBN2):c.7200_7201delinsCC (p.Ser2401Arg)

Gene: FBN2 (fibrillin 2; minus strand). Cytogenetic location: 5q23.3.
Variant type: Indel.
Coding change: c.7200_7201delinsCC on transcript NM_001999.4 (MANE Select); coding-DNA positions 7200 to 7201, TA replaced by CC.
Protein change: p.Ser2401Arg; replaces serine 2401 with arginine.
Molecular consequence: missense variant.
Genome position (GRCh38, 1-based): chr5:128,278,779-128,278,780, TA replaced by GG on the plus strand (TA replaced by CC on the coding strand, the reverse complement: FBN2 is on the minus strand). VCF-style: chr5-128278779-TA-GG. GRCh37 (hg19) VCF-style: chr5-127614471-TA-GG.
Other names: short protein forms S2401R.
Identifiers: ClinVar variation 2740316 (VCV002740316.3), dbSNP rs2479651913, ClinGen allele CA2697546451.

ClinVar aggregate classification (germline): Uncertain significance (1 of 4 stars; one submission).

Conditions:
Congenital contractural arachnodactyly (CCA). Also called: Beals-Hecht syndrome; Arthrogryposis, distal, type 9; BEALS SYNDROME. Identifiers: Orphanet 115, MedGen C0220668, MONDO:0007363, OMIM 121050.

Submission:

Labcorp Genetics (formerly Invitae), Labcorp
Classification: Uncertain significance for Congenital contractural arachnodactyly. Last evaluated: 2025-02-19. Review status: criteria provided, single submitter. Criteria: Invitae Variant Classification Sherloc (09022015). Collection method: clinical testing. Allele origin: germline.
Comment: This sequence change replaces serine, which is neutral and polar, with arginine, which is basic and polar, at codon 2401 of the FBN2 protein (p.Ser2401Arg). Information on the frequency of this variant in the gnomAD database is not available, as this variant may be reported differently in the database. This variant has not been reported in the literature in individuals affected with FBN2-related conditions. ClinVar contains an entry for this variant (Variation ID: 2740316). Experimental studies and prediction algorithms are not available or were not evaluated, and the functional significance of this variant is currently unknown. In summary, the available evidence is currently insufficient to determine the role of this variant in disease. Therefore, it has been classified as a Variant of Uncertain Significance.